The following is an entry in ClinVar:

ClinVar aggregate classification (germline): Likely benign. Review status: criteria provided, multiple submitters, no conflicts (2 of 4 stars). 3 submissions from 3 submitters: Likely benign (3). Last evaluated 2024-07-19.

Conditions:
Inborn genetic diseases. Identifiers: MedGen C0950123, MeSH D030342.
Mosaic variegated aneuploidy syndrome 1 (MVA1). Also called: Warburton-Anyane-Yeboa syndrome. Identifiers: Orphanet 1052, MedGen C1850343, MONDO:0009759, OMIM 257300.

gnomAD v4.1: 11 of 1,613,690 alleles (0.00068%); highest among the groups gnomAD compares: East Asian, 0.0022%; no homozygotes.

Submissions (3):

Labcorp Genetics (formerly Invitae), Labcorp
Classification: Likely benign for Mosaic variegated aneuploidy syndrome 1. Last evaluated: 2024-07-19. Review status: criteria provided, single submitter. Criteria: Invitae Variant Classification Sherloc (09022015). Collection method: clinical testing. Allele origin: germline.

CeGaT Center for Human Genetics Tuebingen
Classification: Likely benign. Last evaluated: 2023-06-01. Review status: criteria provided, single submitter. Criteria: CeGaT Center For Human Genetics Tuebingen Variant Classification Criteria Version 2. Collection method: clinical testing. Allele origin: germline. Affected: yes. Observed: 2 variant alleles.
Comment: BUB1B: BP4, BP7

Ambry Genetics
Classification: Likely benign for Inborn genetic diseases. Last evaluated: 2022-08-22. Review status: criteria provided, single submitter. Criteria: Ambry Variant Classification Scheme 2023. Collection method: clinical testing. Allele origin: germline.

NM_001211.6(BUB1B):c.2073G>A (p.Ser691=)

Gene: BUB1B (BUB1 mitotic checkpoint serine/threonine kinase B; plus strand). Cytogenetic location: 15q15.1.
Variant type: single nucleotide variant.
Coding change: c.2073G>A on transcript NM_001211.6 (MANE Select); coding-DNA position 2073, G replaced by A.
Protein change: p.Ser691=; no amino-acid change (serine 691 retained).
Molecular consequence: synonymous variant.
Genome position (GRCh38, 1-based): chr15:40,208,700, G>A. VCF-style: chr15-40208700-G-A. GRCh37 (hg19) VCF-style: chr15-40500901-G-A.
Identifiers: ClinVar variation 1675563 (VCV001675563.40), dbSNP rs765906277, ClinGen allele CA489710171.